The following is an entry in ClinVar:

ClinVar aggregate classification (germline): Uncertain significance (1 of 4 stars; one submission).

Conditions:
Cardiovascular phenotype. Identifiers: MedGen CN230736.

Submission:

Ambry Genetics
Classification: Uncertain significance for Cardiovascular phenotype. Last evaluated: 2025-09-28. Review status: criteria provided, single submitter. Criteria: Ambry Variant Classification Scheme 2023. Collection method: clinical testing. Allele origin: germline.
Comment: The p.A249T variant (also known as c.745G>A), located in coding exon 3 of the LOX gene, results from a G to A substitution at nucleotide position 745. The alanine at codon 249 is replaced by threonine, an amino acid with similar properties. This amino acid position is conserved. In addition, the in silico prediction for this alteration is inconclusive. Based on the available evidence, the clinical significance of this variant remains unclear.

NM_002317.7(LOX):c.745G>A (p.Ala249Thr)

Genes: LOX (lysyl oxidase; minus strand), SRFBP1 (serum response factor binding protein 1; plus strand). Cytogenetic location: 5q23.1.
Variant type: single nucleotide variant.
Coding change: c.745G>A on transcript NM_002317.7 (MANE Select); coding-DNA position 745, G replaced by A.
Protein change: p.Ala249Thr; replaces alanine 249 with threonine.
Molecular consequence: missense variant. On other transcripts: 5 prime UTR variant (1).
Genome position (GRCh38, 1-based): chr5:122,075,537, C>T on the plus strand (G>A on the coding strand, the complement: LOX is on the minus strand). VCF-style: chr5-122075537-C-T. GRCh37 (hg19) VCF-style: chr5-121411232-C-T.
Other names: c.55G>A, p.Ala19Thr (NM_001178102.2); c.-147G>A (NM_001317073.1); short protein forms A249T, A19T.
Identifiers: ClinVar variation 4614543 (VCV004614543.1).